The following is an entry in ClinVar:

ClinVar aggregate classification (germline): other (0 of 4 stars; one submission).

Conditions:
Familial colorectal cancer. Identifiers: MedGen CN280943, MONDO:0023113. Disease mechanism: loss of function.

Submission:

Systems Biology Platform Zhejiang California International NanoSystems Institute
Classification: other for Familial colorectal cancer. Review status: no assertion criteria provided. Collection method: not provided. Allele origin: unknown.
ClinVar note: Converted during submission from cancer to other.

NM_000038.6(APC):c.136-220G>C

Gene: APC (APC regulator of WNT signaling pathway; plus strand). Cytogenetic location: 5q22.2.
Variant type: single nucleotide variant.
Coding change: c.136-220G>C on transcript NM_000038.6 (MANE Select); 220 bases into the intron before coding-DNA position 136, G replaced by C.
Molecular consequence: intron variant.
Genome position (GRCh38, 1-based): chr5:112,766,106, G>C. VCF-style: chr5-112766106-G-C. GRCh37 (hg19) VCF-style: chr5-112101803-G-C.
Other names: c.136-220G>C (NM_001354895.2, NM_001127510.3, NM_001354896.2 and 2 more transcripts); c.166-220G>C (NM_001354897.2, NM_001354902.2, NM_001127511.3); c.61-220G>C (NM_001354898.2, NM_001354904.2); c.-900-220G>C (NM_001354906.2); c.-42-220G>C (NM_001354900.2, NM_001354901.2, NM_001354905.2).
Identifiers: ClinVar variation 82872 (VCV000082872.2), dbSNP rs78535297, ClinGen allele CA004550.